The following is an entry in ClinVar:

ClinVar aggregate classification (germline): Uncertain significance. Review status: criteria provided, single submitter (1 of 4 stars). 2 submissions from 2 submitters: Uncertain significance (1). 1 of the submissions does not count toward it. Last evaluated 2024-04-10.

Conditions:
Achromatopsia. Also called: Rod monochromatism. Identifiers: Orphanet 49382, MedGen C0152200, MONDO:0018852, HP:0011516.

Allele frequency attached by ClinVar (database versions not stated): gnomAD exomes below 0.00001; gnomAD 0.00002.
gnomAD v4.1: 7 of 1,585,298 alleles (0.00044%); highest among the groups gnomAD compares: East Asian, 0.0045%; no homozygotes.

Submissions (2):

Labcorp Genetics (formerly Invitae), Labcorp
Classification: Uncertain significance. Last evaluated: 2024-04-10. Review status: criteria provided, single submitter. Criteria: Invitae Variant Classification Sherloc (09022015). Collection method: clinical testing. Allele origin: germline.
Comment: This sequence change replaces threonine, which is neutral and polar, with isoleucine, which is neutral and non-polar, at codon 332 of the CNGB3 protein (p.Thr332Ile). This variant is present in population databases (no rsID available, gnomAD 0.006%). This variant has not been reported in the literature in individuals affected with CNGB3-related conditions. ClinVar contains an entry for this variant (Variation ID: 1056572). Advanced modeling of protein sequence and biophysical properties (such as structural, functional, and spatial information, amino acid conservation, physicochemical variation, residue mobility, and thermodynamic stability) performed at Invitae indicates that this missense variant is not expected to disrupt CNGB3 protein function with a negative predictive value of 80%. Algorithms developed to predict the effect of sequence changes on RNA splicing suggest that this variant may disrupt the consensus splice site. In summary, the available evidence is currently insufficient to determine the role of this variant in disease. Therefore, it has been classified as a Variant of Uncertain Significance.

Natera, Inc.
Classification: Uncertain significance for Achromatopsia. Last evaluated: 2021-07-26. Review status: no assertion criteria provided. Collection method: clinical testing. Allele origin: germline. Not counted in ClinVar's aggregate classification.

NM_019098.5(CNGB3):c.995C>T (p.Thr332Ile)

Gene: CNGB3 (cyclic nucleotide gated channel subunit beta 3; minus strand). Cytogenetic location: 8q21.3.
Variant type: single nucleotide variant.
Coding change: c.995C>T on transcript NM_019098.5 (MANE Select); coding-DNA position 995, C replaced by T.
Protein change: p.Thr332Ile; replaces threonine 332 with isoleucine.
Molecular consequence: missense variant.
Genome position (GRCh38, 1-based): chr8:86,644,682, G>A on the plus strand (C>T on the coding strand, the complement: CNGB3 is on the minus strand). VCF-style: chr8-86644682-G-A. GRCh37 (hg19) VCF-style: chr8-87656910-G-A.
Other names: short protein forms T332I.
Identifiers: ClinVar variation 1056572 (VCV001056572.9), dbSNP rs1027900338, ClinGen allele CA180349156.
Genomic context (GRCh38, chr8:86,644,682, plus strand): 5'-CTGTAGATATATGCTTTGTCCATTATAGACTCTAGGTGATGATTAAATTCAAAAAATGAA[G>A]TGTACTATATAGAAAAGCAAAAGAAATCCAAAAGCATGTTAGTCTTAAATATATATATTT-3'
Protein context (NP_061971.3, residues 322-342): MFRANRMLKY[Thr332Ile]SFFEFNHHLE